The following is an entry in ClinVar:

NM_001844.5(COL2A1):c.40A>T (p.Thr14Ser)

Gene: COL2A1 (collagen type II alpha 1 chain; minus strand). Cytogenetic location: 12q13.11.
Variant type: single nucleotide variant.
Coding change: c.40A>T on transcript NM_001844.5 (MANE Select); coding-DNA position 40, A replaced by T.
Protein change: p.Thr14Ser; replaces threonine 14 with serine.
Molecular consequence: missense variant.
Genome position (GRCh38, 1-based): chr12:48,004,282, T>A on the plus strand (A>T on the coding strand, the complement: COL2A1 is on the minus strand). VCF-style: chr12-48004282-T-A. GRCh37 (hg19) VCF-style: chr12-48398065-T-A.
Other names: c.40A>T, p.Thr14Ser (NM_033150.3); short protein forms T14S.
Identifiers: ClinVar variation 971814 (VCV000971814.9), dbSNP rs1940370196, ClinGen allele CA384528312.

ClinVar aggregate classification (germline): Uncertain significance (1 of 4 stars; one submission).

Submission:

Labcorp Genetics (formerly Invitae), Labcorp
Classification: Uncertain significance. Last evaluated: 2019-10-30. Review status: criteria provided, single submitter. Criteria: Invitae Variant Classification Sherloc (09022015). Collection method: clinical testing. Allele origin: germline.
Comment: This sequence change replaces threonine with serine at codon 14 of the COL2A1 protein (p.Thr14Ser). The threonine residue is moderately conserved and there is a small physicochemical difference between threonine and serine. This variant is not present in population databases (ExAC no frequency). This variant has not been reported in the literature in individuals with COL2A1-related conditions. Algorithms developed to predict the effect of missense changes on protein structure and function output the following: SIFT: "Tolerated"; PolyPhen-2: "Not Available"; Align-GVGD: "Class C0". The serine amino acid residue is found in multiple mammalian species, suggesting that this missense change does not adversely affect protein function. These predictions have not been confirmed by published functional studies and their clinical significance is uncertain. In summary, the available evidence is currently insufficient to determine the role of this variant in disease. Therefore, it has been classified as a Variant of Uncertain Significance.